The following is an entry in ClinVar:

NM_018026.4(PACS1):c.658G>A (p.Glu220Lys)

Gene: PACS1 (phosphofurin acidic cluster sorting protein 1; plus strand). Cytogenetic location: 11q13.2.
Variant type: single nucleotide variant.
Coding change: c.658G>A on transcript NM_018026.4 (MANE Select); coding-DNA position 658, G replaced by A.
Protein change: p.Glu220Lys; replaces glutamic acid 220 with lysine.
Molecular consequence: missense variant.
Genome position (GRCh38, 1-based): chr11:66,211,257, G>A. VCF-style: chr11-66211257-G-A. GRCh37 (hg19) VCF-style: chr11-65978728-G-A.
Other names: short protein forms E220K.
Identifiers: ClinVar variation 4725745 (VCV004725745.1).

ClinVar aggregate classification (germline): Uncertain significance (1 of 4 stars; one submission).

Conditions:
Schuurs-Hoeijmakers syndrome. Also called: PACS1-Related Neurodevelopmental Disorder. Identifiers: Orphanet 329224, MedGen C3554343, MONDO:0014006, OMIM 615009.

gnomAD v4.1: 1 of 1,613,470 alleles (0.000062%); highest among the groups gnomAD compares: South Asian, 0.0011%; no homozygotes.

Submission:

Labcorp Genetics (formerly Invitae), Labcorp
Classification: Uncertain significance for Schuurs-Hoeijmakers syndrome. Last evaluated: 2025-08-20. Review status: criteria provided, single submitter. Criteria: Invitae Variant Classification Sherloc (09022015). Collection method: clinical testing. Allele origin: germline.
Comment: This sequence change replaces glutamic acid, which is acidic and polar, with lysine, which is basic and polar, at codon 220 of the PACS1 protein (p.Glu220Lys). This variant is not present in population databases (gnomAD no frequency). This variant has not been reported in the literature in individuals affected with PACS1-related conditions. An algorithm developed to predict the effect of missense changes on protein structure and function (PolyPhen-2) suggests that this variant is likely to be disruptive. In summary, the available evidence is currently insufficient to determine the role of this variant in disease. Therefore, it has been classified as a Variant of Uncertain Significance.